The following is an entry in ClinVar:

NM_006904.7(PRKDC):c.2432A>G (p.Asn811Ser)

Gene: PRKDC (protein kinase, DNA-activated, catalytic subunit; minus strand). Cytogenetic location: 8q11.21.
Variant type: single nucleotide variant.
Coding change: c.2432A>G on transcript NM_006904.7 (MANE Select); coding-DNA position 2432, A replaced by G.
Protein change: p.Asn811Ser; replaces asparagine 811 with serine.
Molecular consequence: missense variant.
Genome position (GRCh38, 1-based): chr8:47,918,371, T>C on the plus strand (A>G on the coding strand, the complement: PRKDC is on the minus strand). VCF-style: chr8-47918371-T-C. GRCh37 (hg19) VCF-style: chr8-48830931-T-C.
Other names: c.2432A>G, p.Asn811Ser (NM_001081640.2); short protein forms N811S.
Identifiers: ClinVar variation 1042212 (VCV001042212.5), dbSNP rs202216147, ClinGen allele CA176161354.

ClinVar aggregate classification (germline): Uncertain significance. Review status: criteria provided, multiple submitters, no conflicts (2 of 4 stars). 2 submissions from 2 submitters: Uncertain significance (2). Last evaluated 2022-09-11.

Conditions:
Severe combined immunodeficiency due to DNA-PKcs deficiency. Also called: IMMUNODEFICIENCY 26 WITH NEUROLOGIC ABNORMALITIES; Immunodeficiency 26 with or without neurologic abnormalities. Identifiers: Orphanet 317425, MedGen C4014833, MONDO:0014423, OMIM 615966.

Allele frequency attached by ClinVar (database versions not stated): gnomAD exomes 0.00002 and 0.00003; gnomAD 0.00004 and 0.00006; TOPMed 0.00009.
gnomAD v4.1: 52 of 1,579,510 alleles (0.0033%); highest among the groups gnomAD compares: Non-Finnish European, 0.0042%; no homozygotes.

Submissions (2):

Ambry Genetics
Classification: Uncertain significance. Last evaluated: 2022-09-11. Review status: criteria provided, single submitter. Criteria: Ambry Variant Classification Scheme 2023. Collection method: clinical testing. Allele origin: germline.
Comment: The p.N811S variant (also known as c.2432A>G), located in coding exon 22 of the PRKDC gene, results from an A to G substitution at nucleotide position 2432. The asparagine at codon 811 is replaced by serine, an amino acid with highly similar properties. This amino acid position is conserved. In addition, this alteration is predicted to be tolerated by in silico analysis. Since supporting evidence is limited at this time, the clinical significance of this alteration remains unclear.

Labcorp Genetics (formerly Invitae), Labcorp
Classification: Uncertain significance for Severe combined immunodeficiency due to DNA-PKcs deficiency. Last evaluated: 2021-12-16. Review status: criteria provided, single submitter. Criteria: Invitae Variant Classification Sherloc (09022015). Collection method: clinical testing. Allele origin: germline.
Comment: This sequence change replaces asparagine, which is neutral and polar, with serine, which is neutral and polar, at codon 811 of the PRKDC protein (p.Asn811Ser). This variant is present in population databases (rs202216147, gnomAD 0.005%). This variant has not been reported in the literature in individuals affected with PRKDC-related conditions. ClinVar contains an entry for this variant (Variation ID: 1042212). Experimental studies and prediction algorithms are not available or were not evaluated, and the functional significance of this variant is currently unknown. In summary, the available evidence is currently insufficient to determine the role of this variant in disease. Therefore, it has been classified as a Variant of Uncertain Significance.